The following is an entry in ClinVar:

ClinVar aggregate classification (germline): Uncertain significance. Review status: criteria provided, single submitter (1 of 4 stars). 2 submissions from 2 submitters: Uncertain significance (1). 1 of the submissions does not count toward it. Last evaluated 2024-12-31.

Conditions:
Autosomal dominant polycystic kidney disease. Identifiers: Orphanet 730, MedGen C0085413, MONDO:0004691.
Polycystic kidney disease. Also called: Polycystic kidney dysplasia; Kidney, Polycystic. Identifiers: MedGen C0022680, MeSH D007690, MONDO:0020642, HP:0000113.

Allele frequency attached by ClinVar (database versions not stated): TOPMed 0.00001.

Submissions (2):

Labcorp Genetics (formerly Invitae), Labcorp
Classification: Uncertain significance for Autosomal dominant polycystic kidney disease. Last evaluated: 2024-12-31. Review status: criteria provided, single submitter. Criteria: Invitae Variant Classification Sherloc (09022015). Collection method: clinical testing. Allele origin: germline.
Comment: This sequence change replaces leucine, which is neutral and non-polar, with proline, which is neutral and non-polar, at codon 52 of the PKD2 protein (p.Leu52Pro). This variant is not present in population databases (gnomAD no frequency). This variant has not been reported in the literature in individuals affected with PKD2-related conditions. ClinVar contains an entry for this variant (Variation ID: 997246). An algorithm developed to predict the effect of missense changes on protein structure and function (PolyPhen-2) suggests that this variant is likely to be disruptive. In summary, the available evidence is currently insufficient to determine the role of this variant in disease. Therefore, it has been classified as a Variant of Uncertain Significance.

Department of Pathology and Laboratory Medicine, Sinai Health System
Classification: Uncertain significance for Polycystic Kidney disease. Review status: no assertion criteria provided. Collection method: clinical testing. Allele origin: unknown. Affected: yes. Study: The Canadian Open Genetics Repository (COGR). Not counted in ClinVar's aggregate classification.
Comment: The PKD2 p.Leu52Pro variant was not identified in the literature nor was it identified in the dbSBP, ClinVar, Genesight-COGR, LOVD 3.0, ADPKD Mutation Database, PKD1-LOVD, databases. The variant was not identified in the 1000 Genomes Project, the NHLBI GO Exome Sequencing Project or the Exome Aggregation Consortium (August 8th 2016) control databases. The p.Leu52Pro residue is conserved in mammals but not in lower organisms; the variant amino acid Proline (Pro) is present in Drosophila melanogaster, increasing the likelihood that this variant does not have clinical significance. Computational analyses (PolyPhen-2, SIFT, AlignGVGD, BLOSUM, MutationTaster) provide inconsistent predictions regarding the impact to the protein; this information is not very predictive of pathogenicity. The variant occurs outside of the splicing consensus sequence and in silico or computational prediction software programs (SpliceSiteFinder, MaxEntScan, NNSPLICE, GeneSplicer, HumanSpliceFinder) do not predict a difference in splicing. In summary, based on the above information the clinical significance of this variant cannot be determined with certainty at this time. This variant is classified as a variant of uncertain significance.

NM_000297.4(PKD2):c.155T>C (p.Leu52Pro)

Genes: PKD2 (polycystin 2, transient receptor potential cation channel; plus strand), LOC129992813 (ATAC-STARR-seq lymphoblastoid silent region 15559; plus strand). Cytogenetic location: 4q22.1.
Variant type: single nucleotide variant.
Coding change: c.155T>C on transcript NM_000297.4 (MANE Select); coding-DNA position 155, T replaced by C.
Protein change: p.Leu52Pro; replaces leucine 52 with proline.
Molecular consequence: missense variant. On other transcripts: non-coding transcript variant (1).
Genome position (GRCh38, 1-based): chr4:88,007,888, T>C. VCF-style: chr4-88007888-T-C. GRCh37 (hg19) VCF-style: chr4-88929040-T-C.
Other names: short protein forms L52P.
Identifiers: ClinVar variation 997246 (VCV000997246.3), dbSNP rs1726229362, ClinGen allele CA357625475.